The following is an entry in ClinVar:

ClinVar aggregate classification (germline): Uncertain significance (1 of 4 stars; one submission).

Submission:

Labcorp Genetics (formerly Invitae), Labcorp
Classification: Uncertain significance. Last evaluated: 2022-07-14. Review status: criteria provided, single submitter. Criteria: Invitae Variant Classification Sherloc (09022015). Collection method: clinical testing. Allele origin: germline.
Comment: In summary, the available evidence is currently insufficient to determine the role of this variant in disease. Therefore, it has been classified as a Variant of Uncertain Significance. Algorithms developed to predict the effect of missense changes on protein structure and function output the following: SIFT: "Tolerated"; PolyPhen-2: "Benign"; Align-GVGD: "Class C0". The threonine amino acid residue is found in multiple mammalian species, which suggests that this missense change does not adversely affect protein function. This variant has not been reported in the literature in individuals affected with ADGRE2-related conditions. This variant is not present in population databases (gnomAD no frequency). This sequence change replaces alanine, which is neutral and non-polar, with threonine, which is neutral and polar, at codon 812 of the ADGRE2 protein (p.Ala812Thr).

NM_013447.4(ADGRE2):c.2434G>A (p.Ala812Thr)

Gene: ADGRE2 (adhesion G protein-coupled receptor E2; minus strand). Cytogenetic location: 19p13.12.
Variant type: single nucleotide variant.
Coding change: c.2434G>A on transcript NM_013447.4 (MANE Select); coding-DNA position 2434, G replaced by A.
Protein change: p.Ala812Thr; replaces alanine 812 with threonine.
Molecular consequence: missense variant.
Genome position (GRCh38, 1-based): chr19:14,743,449, C>T on the plus strand (G>A on the coding strand, the complement: ADGRE2 is on the minus strand). VCF-style: chr19-14743449-C-T. GRCh37 (hg19) VCF-style: chr19-14854261-C-T.
Other names: c.2260G>A, p.Ala754Thr (NM_001271052.1); c.2287G>A, p.Ala763Thr (NM_152916.2); c.2155G>A, p.Ala719Thr (NM_152917.2); short protein forms A754T, A719T, A763T, A812T.
Identifiers: ClinVar variation 2129522 (VCV002129522.4), dbSNP rs2512945172, ClinGen allele CA404450907.